The following is an entry in ClinVar:

NM_003315.4(DNAJC7):c.6G>A (p.Ala2=)

Genes: DNAJC7 (DnaJ heat shock protein family (Hsp40) member C7; minus strand), LOC126862567 (MED14-independent group 3 enhancer GRCh37_chr17:40168666-40169865; plus strand). Cytogenetic location: 17q21.2.
Variant type: single nucleotide variant.
Coding change: c.6G>A on transcript NM_003315.4 (MANE Select); coding-DNA position 6, G replaced by A.
Protein change: p.Ala2=; no amino-acid change (alanine 2 retained).
Molecular consequence: synonymous variant. On other transcripts: non-coding transcript variant (1).
Genome position (GRCh38, 1-based): chr17:42,017,411, C>T on the plus strand (G>A on the coding strand, the complement: DNAJC7 is on the minus strand). VCF-style: chr17-42017411-C-T. GRCh37 (hg19) VCF-style: chr17-40169429-C-T.
Identifiers: ClinVar variation 4988613 (VCV004988613.1).

ClinVar aggregate classification (germline): Likely benign (1 of 4 stars; one submission).

Conditions:
DNAJC7-related condition.

gnomAD v4.1: 23 of 1,607,488 alleles (0.0014%); highest among the groups gnomAD compares: African/African-American, 0.004%; no homozygotes.

Submission:

PreventionGenetics, part of Exact Sciences
Classification: Likely benign for DNAJC7-related condition. Last evaluated: 2024-12-23. Review status: criteria provided, single submitter. Criteria: ACMG Guidelines, 2015. Collection method: clinical testing. Allele origin: germline.
Comment: This variant is classified as likely benign based on ACMG/AMP sequence variant interpretation guidelines (Richards et al. 2015 PMID: 25741868, with internal and published modifications).